The following is an entry in ClinVar:

NM_012469.4(PRPF6):c.1451A>C (p.Glu484Ala)

Gene: PRPF6 (pre-mRNA processing factor 6; plus strand). Cytogenetic location: 20q13.33.
Variant type: single nucleotide variant.
Coding change: c.1451A>C on transcript NM_012469.4 (MANE Select); coding-DNA position 1451, A replaced by C.
Protein change: p.Glu484Ala; replaces glutamic acid 484 with alanine.
Molecular consequence: missense variant.
Genome position (GRCh38, 1-based): chr20:64,011,430, A>C. VCF-style: chr20-64011430-A-C. GRCh37 (hg19) VCF-style: chr20-62642783-A-C.
Other names: short protein forms E484A.
Identifiers: ClinVar variation 931584 (VCV000931584.3), dbSNP rs2059216772, ClinGen allele CA409727343.

ClinVar aggregate classification (germline): Uncertain significance (1 of 4 stars; one submission).

Conditions:
Retinitis pigmentosa 60 (RP60). Also called: PRPF 6-Related Retinitis Pigmentosa. Identifiers: Orphanet 791, MedGen C3151434, MONDO:0013516, OMIM 613983.

Allele frequency attached by ClinVar (database versions not stated): gnomAD exomes below 0.00001; TOPMed 0.00001.
gnomAD v4.1: 6 of 1,614,222 alleles (0.00037%); highest among the groups gnomAD compares: Non-Finnish European, 0.00034%; no homozygotes.

Submission:

Centre for Mendelian Genomics, University Medical Centre Ljubljana
Classification: Uncertain significance for Retinitis pigmentosa 60. Last evaluated: 2019-05-27. Review status: criteria provided, single submitter. Criteria: ACMG Guidelines, 2015. Collection method: clinical testing. Allele origin: unknown. Affected: yes.
Comment: This variant was classified as: Uncertain significance. The following ACMG criteria were applied in classifying this variant: PM2.